The following is an entry in ClinVar:

NM_139343.3(BIN1):c.121G>C (p.Asp41His)

Gene: BIN1 (bridging integrator 1; minus strand). Cytogenetic location: 2q14.3.
Variant type: single nucleotide variant.
Coding change: c.121G>C on transcript NM_139343.3 (MANE Select); coding-DNA position 121, G replaced by C.
Protein change: p.Asp41His; replaces aspartic acid 41 with histidine.
Molecular consequence: missense variant.
Genome position (GRCh38, 1-based): chr2:127,076,670, C>G on the plus strand (G>C on the coding strand, the complement: BIN1 is on the minus strand). VCF-style: chr2-127076670-C-G. GRCh37 (hg19) VCF-style: chr2-127834246-C-G.
Other names: c.121G>C, p.Asp41His (NM_001320632.2, NM_001320633.2, NM_001320640.2 and 10 more transcripts); c.49G>C, p.Asp17His (NM_001320634.1); c.40G>C, p.Asp14His (NM_001320642.1); short protein forms D41H, D14H, D17H.
Identifiers: ClinVar variation 4742531 (VCV004742531.1).

ClinVar aggregate classification (germline): Uncertain significance (1 of 4 stars; one submission).

Conditions:
Myopathy, centronuclear, 2 (CNM2). Also called: MYOTUBULAR MYOPATHY, AUTOSOMAL RECESSIVE. Identifiers: Orphanet 169186, MedGen CN031787, MONDO:0009709, OMIM 255200.

Submission:

Labcorp Genetics (formerly Invitae), Labcorp
Classification: Uncertain significance for Myopathy, centronuclear, 2. Last evaluated: 2025-03-05. Review status: criteria provided, single submitter. Criteria: Invitae Variant Classification Sherloc (09022015). Collection method: clinical testing. Allele origin: germline.
Comment: This sequence change replaces aspartic acid, which is acidic and polar, with histidine, which is basic and polar, at codon 41 of the BIN1 protein (p.Asp41His). This variant is not present in population databases (gnomAD no frequency). This variant has not been reported in the literature in individuals affected with BIN1-related conditions. Invitae Evidence Modeling of protein sequence and biophysical properties (such as structural, functional, and spatial information, amino acid conservation, physicochemical variation, residue mobility, and thermodynamic stability) indicates that this missense variant is expected to disrupt BIN1 protein function with a positive predictive value of 80%. In summary, the available evidence is currently insufficient to determine the role of this variant in disease. Therefore, it has been classified as a Variant of Uncertain Significance.